The following is an entry in ClinVar:

ClinVar aggregate classification (germline): Likely benign (1 of 4 stars; one submission).

Allele frequency attached by ClinVar (database versions not stated): 1000 Genomes Project 30x 0.00031; gnomAD 0.00007; 1000 Genomes Project 0.00020; TOPMed 0.00029; ExAC 0.00075; gnomAD exomes 0.00017 and 0.00084.

Submission:

GeneDx
Classification: Likely benign. Last evaluated: 2016-03-08. Review status: criteria provided, single submitter. Criteria: GeneDx Variant Classification (06012015). Collection method: clinical testing. Allele origin: germline. Affected: yes.
Comment: This variant is considered likely benign or benign based on one or more of the following criteria: it is a conservative change, it occurs at a poorly conserved position in the protein, it is predicted to be benign by multiple in silico algorithms, and/or has population frequency not consistent with disease.

NM_000290.3(PGAM2):c.-46A>G

Genes: DBNL (drebrin like; plus strand), PGAM2 (phosphoglycerate mutase 2; minus strand). Cytogenetic location: 7p13.
Variant type: single nucleotide variant.
Coding change: c.-46A>G on transcript NM_000290.3; 46 bases upstream of the start codon, A replaced by G.
Molecular consequence: 3 prime UTR variant (on NM_001014436.3).
Genome position (GRCh38, 1-based): chr7:44,065,575, T>C on the plus strand (A>G on the coding strand, the complement: PGAM2 is on the minus strand). VCF-style: chr7-44065575-T-C. GRCh37 (hg19) VCF-style: chr7-44105174-T-C.
Other names: c.*4659T>C (NM_001014436.3, NM_001122956.2, NM_001284313.2 and 3 more transcripts).
Identifiers: ClinVar variation 384039 (VCV000384039.3), dbSNP rs201738712, ClinGen allele CA4236718.